The following is an entry in ClinVar:

NM_000540.3(RYR1):c.7675C>T (p.Leu2559=)

Gene: RYR1 (ryanodine receptor 1; plus strand). Cytogenetic location: 19q13.2.
Variant type: single nucleotide variant.
Coding change: c.7675C>T on transcript NM_000540.3 (MANE Select); coding-DNA position 7675, C replaced by T.
Protein change: p.Leu2559=; no amino-acid change (leucine 2559 retained).
Molecular consequence: synonymous variant.
Genome position (GRCh38, 1-based): chr19:38,502,567, C>T. VCF-style: chr19-38502567-C-T. GRCh37 (hg19) VCF-style: chr19-38993207-C-T.
Other names: c.7675C>T, p.Leu2559= (NM_001042723.2).
Identifiers: ClinVar variation 3385451 (VCV003385451.1).

ClinVar aggregate classification (germline): Likely benign (1 of 4 stars; one submission).

Conditions:
Malignant hyperthermia, susceptibility to, 1 (MHS1). Also called: Anesthesia related hyperthermia; Malignant hyperpyrexia; Fulminating hyperpyrexia; Pharmacogenic myopathy; Malignant hyperthermia suceptibility 1; RYR1-Related Malignant Hyperthermia Susceptibility. Identifiers: Orphanet 423, MedGen C2930980, MONDO:0007783, OMIM 145600.

gnomAD v4.1: 4 of 1,612,162 alleles (0.00025%); highest among the groups gnomAD compares: Non-Finnish European, 0.00034%; no homozygotes.

Submission:

All of Us Research Program, National Institutes of Health
Classification: Likely benign for Malignant hyperthermia, susceptibility to, 1. Last evaluated: 2024-02-22. Review status: criteria provided, single submitter. Criteria: ACMG Guidelines, 2015. Collection method: clinical testing. Allele origin: germline. Inheritance: Autosomal dominant inheritance. Observed: 1 variant allele, 1 heterozygote.
Comment: This study involves interpretation of variants in research participants for the purpose of population health screening. Participant phenotype was not available at the time of variant classification. Additional details can be found in publication PMID: 35346344, PMCID: PMC8962531